The following is an entry in ClinVar:

NM_001690.4(ATP6V1A):c.1669A>T (p.Thr557Ser)

Gene: ATP6V1A (ATPase H+ transporting V1 subunit A; plus strand). Cytogenetic location: 3q13.31.
Variant type: single nucleotide variant.
Coding change: c.1669A>T on transcript NM_001690.4 (MANE Select); coding-DNA position 1669, A replaced by T.
Protein change: p.Thr557Ser; replaces threonine 557 with serine.
Molecular consequence: missense variant.
Genome position (GRCh38, 1-based): chr3:113,805,433, A>T. VCF-style: chr3-113805433-A-T. GRCh37 (hg19) VCF-style: chr3-113524280-A-T.
Other names: short protein forms T557S.
Identifiers: ClinVar variation 3716946 (VCV003716946.4).

ClinVar aggregate classification (germline): Uncertain significance. Review status: criteria provided, multiple submitters, no conflicts (2 of 4 stars). 2 submissions from 2 submitters: Uncertain significance (2). Last evaluated 2026-04-01.

gnomAD v4.1: 7 of 1,613,828 alleles (0.00043%); highest among the groups gnomAD compares: Admixed American, 0.012%; no homozygotes.

Submissions (2):

CeGaT Center for Human Genetics Tuebingen
Classification: Uncertain significance. Last evaluated: 2026-04-01. Review status: criteria provided, single submitter. Criteria: CeGaT Center For Human Genetics Tuebingen Variant Classification Criteria Version 2. Collection method: clinical testing. Allele origin: germline. Affected: yes. Observed: 1 variant allele.

Labcorp Genetics (formerly Invitae), Labcorp
Classification: Uncertain significance. Last evaluated: 2024-09-17. Review status: criteria provided, single submitter. Criteria: Invitae Variant Classification Sherloc (09022015). Collection method: clinical testing. Allele origin: germline.
Comment: This sequence change replaces threonine, which is neutral and polar, with serine, which is neutral and polar, at codon 557 of the ATP6V1A protein (p.Thr557Ser). This variant is present in population databases (rs776932053, gnomAD 0.01%). This variant has not been reported in the literature in individuals affected with ATP6V1A-related conditions. Invitae Evidence Modeling of protein sequence and biophysical properties (such as structural, functional, and spatial information, amino acid conservation, physicochemical variation, residue mobility, and thermodynamic stability) indicates that this missense variant is not expected to disrupt ATP6V1A protein function with a negative predictive value of 80%. In summary, the available evidence is currently insufficient to determine the role of this variant in disease. Therefore, it has been classified as a Variant of Uncertain Significance.